The following is an entry in ClinVar:

NM_033026.6(PCLO):c.13528+6G>A

Gene: PCLO (piccolo presynaptic cytomatrix protein; minus strand). Cytogenetic location: 7q21.11.
Variant type: single nucleotide variant.
Coding change: c.13528+6G>A on transcript NM_033026.6 (MANE Select); 6 bases into the intron after coding-DNA position 13528, G replaced by A.
Molecular consequence: intron variant.
Genome position (GRCh38, 1-based): chr7:82,902,645, C>T on the plus strand (G>A on the coding strand, the complement: PCLO is on the minus strand). VCF-style: chr7-82902645-C-T. GRCh37 (hg19) VCF-style: chr7-82531961-C-T.
Other names: c.13528+6G>A (NM_014510.3).
Identifiers: ClinVar variation 1440191 (VCV001440191.6), dbSNP rs1794074690, ClinGen allele CA1103802583.

ClinVar aggregate classification (germline): Uncertain significance (1 of 4 stars; one submission).

Allele frequency attached by ClinVar (database versions not stated): gnomAD 0.00001; TOPMed 0.00001.

Submission:

Labcorp Genetics (formerly Invitae), Labcorp
Classification: Uncertain significance. Last evaluated: 2021-07-31. Review status: criteria provided, single submitter. Criteria: Invitae Variant Classification Sherloc (09022015). Collection method: clinical testing. Allele origin: germline.
Comment: In summary, the available evidence is currently insufficient to determine the role of this variant in disease. Therefore, it has been classified as a Variant of Uncertain Significance. Nucleotide substitutions within the consensus splice site are a relatively common cause of aberrant splicing (PMID: 17576681, 9536098). Algorithms developed to predict the effect of sequence changes on RNA splicing suggest that this variant is not likely to affect RNA splicing. This variant has not been reported in the literature in individuals affected with PCLO-related conditions. This variant is not present in population databases (ExAC no frequency). This sequence change falls in intron 9 of the PCLO gene. It does not directly change the encoded amino acid sequence of the PCLO protein. It affects a nucleotide within the consensus splice site of the intron.

Literature cited by the submitters: PubMed 17576681; PubMed 9536098.